The following is an entry in ClinVar:

NM_032119.4(ADGRV1):c.4338del (p.Arg1447fs)

Gene: ADGRV1 (adhesion G protein-coupled receptor V1; plus strand). Cytogenetic location: 5q14.3.
Variant type: Deletion.
Coding change: c.4338del on transcript NM_032119.4 (MANE Select); coding-DNA position 4338, one base deleted (C; older notation c.4338delC).
Protein change: p.Arg1447fs; shifts the reading frame from arginine 1447.
Molecular consequence: frameshift variant. On other transcripts: non-coding transcript variant (1).
Genome position (GRCh38, 1-based): chr5:90,653,912, C deleted; the last of 3 consecutive C bases (chr5:90,653,910-90,653,912); deleting any one gives the same sequence. VCF-style (leftmost placement, unchanged base first): chr5-90653909-GC-G. GRCh37 (hg19) VCF-style: chr5-89949726-GC-G.
Other names: short protein forms R1447fs.
Identifiers: ClinVar variation 2824666 (VCV002824666.3), dbSNP rs2532093823, ClinGen allele CA2739274875.
Genomic context (GRCh38, chr5:90,653,909, plus strand): 5'-TCATCTACTAATTATCCTGGAGGATGGTATAATCGAATTCTACCTGGATGGAAATGCAAT[GC>G]CCAGGGGAATCAAGAGTCTGAAAGGAGAAGCCATTACTGACGGTGAGGGTCATCATCACA-3'

ClinVar aggregate classification (germline): Pathogenic (1 of 4 stars; one submission).

Submission:

Labcorp Genetics (formerly Invitae), Labcorp
Classification: Pathogenic. Last evaluated: 2022-12-29. Review status: criteria provided, single submitter. Criteria: Invitae Variant Classification Sherloc (09022015). Collection method: clinical testing. Allele origin: germline.
Comment: This variant has not been reported in the literature in individuals affected with ADGRV1-related conditions. This variant is not present in population databases (gnomAD no frequency). This sequence change creates a premature translational stop signal (p.Arg1447Glyfs*6) in the ADGRV1 gene. It is expected to result in an absent or disrupted protein product. Loss-of-function variants in ADGRV1 are known to be pathogenic (PMID: 19357117, 22135276, 22147658, 26226137, 30718709, 31047384, 32467589). Algorithms developed to predict the effect of sequence changes on RNA splicing suggest that this variant may disrupt the consensus splice site. For these reasons, this variant has been classified as Pathogenic.

Literature cited by the submitters: PubMed 19357117; PubMed 22135276; PubMed 22147658; PubMed 26226137; PubMed 30718709; PubMed 31047384; PubMed 32467589.